The following is an entry in ClinVar:

NM_018294.6(CWF19L1):c.708+294_1044+1540del

Gene: CWF19L1 (CWF19 like cell cycle control factor 1; minus strand). Cytogenetic location: 10q24.31.
Variant type: Deletion.
Coding change: c.708+294_1044+1540del on transcript NM_018294.6 (MANE Select); 294 bases into the intron after coding-DNA position 708 through 1540 bases into the intron after coding-DNA position 1044, 7,797 bases deleted.
Molecular consequence: splice acceptor variant, splice donor variant. On other transcripts: initiator codon variant (1).
Genome position (GRCh38, 1-based): chr10:100,242,158-100,249,954, 7,797 bases deleted. GRCh37 (hg19): chr10:102,001,916-102,009,712.
Other names: c.297+294_633+1540del (NM_001303406.2, NM_001303405.2); c.-28+294_309+1540del (NM_001303407.2); c.708+294_1044+1540del (NM_001303404.2).
Identifiers: ClinVar variation 996893 (VCV000996893.2), ClinGen allele CA2499220115.

ClinVar aggregate classification (germline): Pathogenic (1 of 4 stars; one submission).

Conditions:
Autosomal recessive spinocerebellar ataxia 17. Identifiers: Orphanet 453521, MedGen C4015301, MONDO:0014503, OMIM 616127.

Submission:

New York Genome Center
Classification: Pathogenic for Autosomal recessive spinocerebellar ataxia 17. Last evaluated: 2019-09-27. Review status: criteria provided, single submitter. Criteria: NYGC Assertion Criteria 2020. Collection method: clinical testing. Allele origin: paternal. Inheritance: Autosomal recessive inheritance. Affected: yes. Observed: 1 compound heterozygote. Study: CSER-NYCKidSeq.
Comment: The c.708+294_1044+1540del, a novel copy number deletion variant encompassing exons 8, 9,and 10 of the CWF19L1 gene is predicted to result in an in-frame deletion of 112 amino acids (p.Tyr237_His348del) [PMID: 18000842]. This variant is not present in gnomAD database and has not been reported in the literature in individuals with a CWF19L1-related disease. Splice site mutation resulting in exon 9 skipping of CWF19L1 has been reported for the patient with autosomal recessive spinocerebellar ataxia-17 [PMID: 25361784]. Based on the available evidence, the c.708+294_1044+1540del variant in the CWF19L1 gene is classified as pathogenic.